The following is an entry in ClinVar:

NM_001042492.3(NF1):c.3674T>C (p.Met1225Thr)

Gene: NF1 (neurofibromin 1; plus strand). Cytogenetic location: 17q11.2.
Variant type: single nucleotide variant.
Coding change: c.3674T>C on transcript NM_001042492.3 (MANE Select); coding-DNA position 3674, T replaced by C.
Protein change: p.Met1225Thr; replaces methionine 1225 with threonine.
Molecular consequence: missense variant.
Genome position (GRCh38, 1-based): chr17:31,233,179, T>C. VCF-style: chr17-31233179-T-C. GRCh37 (hg19) VCF-style: chr17-29560197-T-C.
Other names: c.3674T>C, p.Met1225Thr (NM_000267.4); short protein forms M1225T.
Identifiers: ClinVar variation 1721471 (VCV001721471.6), dbSNP rs2151435743, ClinGen allele CA398990582.

ClinVar aggregate classification (germline): Uncertain significance. Review status: criteria provided, multiple submitters, no conflicts (2 of 4 stars). 2 submissions from 2 submitters: Uncertain significance (2). Last evaluated 2023-05-31.

Conditions:
Juvenile myelomonocytic leukemia (JMML). Also called: LEUKEMIA, JUVENILE MYELOMONOCYTIC, SOMATIC. Identifiers: Orphanet 86834, MedGen C0349639, MONDO:0011908, OMIM 607785, HP:0012209.
Neurofibromatosis, type 1 (NF1). Also called: Neurofibromatosis, type I; VON RECKLINGHAUSEN DISEASE; NEUROFIBROMATOSIS, TYPE I, SOMATIC; Peripheral type neurofibromatosis. Identifiers: Orphanet 636, MedGen C0027831, MONDO:0018975, OMIM 162200. Disease mechanism: loss of function.

Submissions (2):

Baylor Genetics
Classification: Uncertain significance for Juvenile myelomonocytic leukemia. Last evaluated: 2023-05-31. Review status: criteria provided, single submitter. Criteria: ACMG Guidelines, 2015. Collection method: clinical testing. Allele origin: unknown.

Labcorp Genetics (formerly Invitae), Labcorp
Classification: Uncertain significance for Neurofibromatosis, type 1. Last evaluated: 2022-10-12. Review status: criteria provided, single submitter. Criteria: Invitae Variant Classification Sherloc (09022015). Collection method: clinical testing. Allele origin: germline.
Comment: Advanced modeling of protein sequence and biophysical properties (such as structural, functional, and spatial information, amino acid conservation, physicochemical variation, residue mobility, and thermodynamic stability) performed at Invitae indicates that this missense variant is expected to disrupt NF1 protein function. In summary, the available evidence is currently insufficient to determine the role of this variant in disease. Therefore, it has been classified as a Variant of Uncertain Significance. This variant has not been reported in the literature in individuals affected with NF1-related conditions. This variant is not present in population databases (gnomAD no frequency). This sequence change replaces methionine, which is neutral and non-polar, with threonine, which is neutral and polar, at codon 1225 of the NF1 protein (p.Met1225Thr).